The following is an entry in ClinVar:

ClinVar aggregate classification (germline): Uncertain significance. Review status: criteria provided, multiple submitters, no conflicts (2 of 4 stars). 8 submissions from 7 submitters: Uncertain significance (7). 1 of the submissions does not count toward it. Last evaluated 2026-06-19.

Conditions:
OTOG-related disorder. Also called: OTOG-related condition.

Allele frequency attached by ClinVar (database versions not stated): ExAC 0.00006; gnomAD 0.00009 and 0.00010; gnomAD exomes 0.00013 and 0.00020; TOPMed 0.00019; 1000 Genomes Project 30x 0.00047.
gnomAD v4.1: 196 of 1,550,680 alleles (0.013%); highest among the groups gnomAD compares: Middle Eastern, 0.34%; no homozygotes.

Submissions (8):

PreventionGenetics, part of Exact Sciences
Classification: Uncertain significance for OTOG-related condition. Last evaluated: 2026-06-19. Review status: criteria provided, single submitter. Criteria: ACMG Guidelines, 2015. Collection method: clinical testing. Allele origin: germline.
Comment: The OTOG c.7090C>T variant is predicted to result in the amino acid substitution p.Arg2364Trp. This variant was reported as a variant of uncertain significance in an individual with hearing loss (Table S10. El Naofal et al 2023. PubMed ID: 36703223). This variant is reported in 0.035% of alleles in individuals of Latino descent in gnomAD. At this time, the clinical significance of this variant is uncertain due to the absence of conclusive functional and genetic evidence.

CeGaT Center for Human Genetics Tuebingen
Classification: Uncertain significance. Last evaluated: 2025-10-01. Review status: criteria provided, single submitter. Criteria: CeGaT Center For Human Genetics Tuebingen Variant Classification Criteria Version 2. Collection method: clinical testing. Allele origin: germline. Affected: yes. Observed: 1 variant allele.
Comment: OTOG: PM2, PP3

GeneDx
Classification: Uncertain significance. Last evaluated: 2025-10-01. Review status: criteria provided, single submitter. Criteria: GeneDx Variant Classification Process June 2021. Collection method: clinical testing. Allele origin: germline. Affected: yes.
Comment: In silico analysis supports that this missense variant has a deleterious effect on protein structure/function; This variant is associated with the following publications: (PMID: 36703223)

Labcorp Genetics (formerly Invitae), Labcorp
Classification: Uncertain significance. Last evaluated: 2025-09-15. Review status: criteria provided, single submitter. Criteria: Invitae Variant Classification Sherloc (09022015). Collection method: clinical testing. Allele origin: germline.
Comment: This sequence change replaces arginine, which is basic and polar, with tryptophan, which is neutral and slightly polar, at codon 2364 of the OTOG protein (p.Arg2364Trp). This variant is present in population databases (rs756364973, gnomAD 0.05%). This missense change has been observed in individual(s) with OTOG-related conditions (PMID: 36703223). ClinVar contains an entry for this variant (Variation ID: 1220212). An algorithm developed to predict the effect of missense changes on protein structure and function (PolyPhen-2) suggests that this variant is likely to be disruptive. In summary, the available evidence is currently insufficient to determine the role of this variant in disease. Therefore, it has been classified as a Variant of Uncertain Significance.

Blueprint Genetics
Classification: Uncertain significance. Last evaluated: 2024-10-24. Review status: criteria provided, single submitter. Criteria: ACMG Guidelines, 2015. Collection method: clinical testing. Allele origin: germline.

Dubai Health Genomic Medicine Center, Dubai Health
Classification: Uncertain significance. Last evaluated: 2022-12-17. Review status: criteria provided, single submitter. Criteria: ACMG Guidelines, 2015. Collection method: clinical testing. Allele origin: germline. Affected: yes.

Breakthrough Genomics
Classification: Uncertain significance. Review status: criteria provided, single submitter. Criteria: ACMG Guidelines, 2015. Collection method: not provided. Allele origin: germline. Inheritance: Autosomal recessive inheritance. Affected: yes.

Dubai Health Genomic Medicine Center, Dubai Health
Classification: Uncertain significance. Last evaluated: 2020-11-01. Review status: flagged submission. Criteria: ACMG Guidelines, 2015. Collection method: clinical testing. Allele origin: germline. Affected: yes. Not counted in ClinVar's aggregate classification.
Comment: The p.Arg2364Trp missense variant in OTOG has not been previously reported in affected individuals but was identified in 31/183424 (0.017% 0 homozygotes) total alleles in the Genome Aggregation Database (gnomAD). Computational prediction tools and conservation analyses suggest an impact to the protein function though this information is not predictive enough to confirm pathogenicity. In summary additional information is needed to fully assess the clinical significance of this variant.
ClinVar note: Reason: This record appears to be redundant with a more recent record from the same submitter.
ClinVar note: Notes: SCV001984177 appears to be redundant with SCV002774979.

Literature cited by the submitters: PubMed 36703223 (cited by Labcorp Genetics (formerly Invitae), Labcorp).

NM_001292063.2(OTOG):c.7054C>T (p.Arg2352Trp)

Gene: OTOG (otogelin; plus strand). Cytogenetic location: 11p15.1.
Variant type: single nucleotide variant.
Coding change: c.7054C>T on transcript NM_001292063.2 (MANE Select); coding-DNA position 7054, C replaced by T.
Protein change: p.Arg2352Trp; replaces arginine 2352 with tryptophan.
Molecular consequence: missense variant.
Genome position (GRCh38, 1-based): chr11:17,632,208, C>T. VCF-style: chr11-17632208-C-T. GRCh37 (hg19) VCF-style: chr11-17653755-C-T.
Other names: c.7090C>T, p.Arg2364Trp (NM_001277269.2); short protein forms R2352W, R2364W.
Identifiers: ClinVar variation 1220212 (VCV001220212.21), dbSNP rs756364973, ClinGen allele CA5906091.